The following is an entry in ClinVar:

ClinVar aggregate classification (germline): Uncertain significance (1 of 4 stars; one submission).

Submission:

GeneDx
Classification: Uncertain significance. Last evaluated: 2024-02-03. Review status: criteria provided, single submitter. Criteria: GeneDx Variant Classification Process June 2021. Collection method: clinical testing. Allele origin: germline. Affected: yes.
Comment: Not observed at significant frequency in large population cohorts (gnomAD); In silico analysis supports that this missense variant has a deleterious effect on protein structure/function; Has not been previously published as pathogenic or benign to our knowledge

NM_000937.5(POLR2A):c.5167A>C (p.Thr1723Pro)

Gene: POLR2A (RNA polymerase II subunit A; plus strand). Cytogenetic location: 17p13.1.
Variant type: single nucleotide variant.
Coding change: c.5167A>C on transcript NM_000937.5 (MANE Select); coding-DNA position 5167, A replaced by C.
Protein change: p.Thr1723Pro; replaces threonine 1723 with proline.
Molecular consequence: missense variant.
Genome position (GRCh38, 1-based): chr17:7,513,431, A>C. VCF-style: chr17-7513431-A-C. GRCh37 (hg19) VCF-style: chr17-7416750-A-C.
Other names: short protein forms T1723P.
Identifiers: ClinVar variation 3368671 (VCV003368671.1).